The following is an entry in ClinVar:

NM_002528.7(NTHL1):c.729G>A (p.Trp243Ter)

Gene: NTHL1 (nth like DNA glycosylase 1; minus strand). Cytogenetic location: 16p13.3.
Variant type: single nucleotide variant.
Coding change: c.729G>A on transcript NM_002528.7 (MANE Select); coding-DNA position 729, G replaced by A.
Protein change: p.Trp243Ter; replaces tryptophan 243 with a stop codon.
Molecular consequence: nonsense.
Genome position (GRCh38, 1-based): chr16:2,040,195, C>T on the plus strand (G>A on the coding strand, the complement: NTHL1 is on the minus strand). VCF-style: chr16-2040195-C-T. GRCh37 (hg19) VCF-style: chr16-2090196-C-T.
Other names: c.558G>A, p.Trp186Ter (NM_001318193.2); c.399G>A, p.Trp133Ter (NM_001318194.2); short protein forms W133*, W186*, W243*.
Identifiers: ClinVar variation 2673810 (VCV002673810.4), dbSNP rs2548311981, ClinGen allele CA394289078.

ClinVar aggregate classification (germline): Pathogenic. Review status: criteria provided, multiple submitters, no conflicts (2 of 4 stars). 2 submissions from 2 submitters: Pathogenic (2). Last evaluated 2023-09-05.

Conditions:
Familial adenomatous polyposis 3. Also called: NTHL1-Related Adenomatous Polyposis and Colorectal Cancer; NTHL1 Tumor Syndrome; NTHL1-related attenuated familial adenomatous polyposis; NTHL1-associated polyposis. Identifiers: Orphanet 220460, Orphanet 454840, MedGen C4225157, MONDO:0014630, OMIM 616415.

Submissions (2):

Myriad Genetics, Inc.
Classification: Pathogenic for Familial adenomatous polyposis 3. Last evaluated: 2023-09-05. Review status: criteria provided, single submitter. Criteria: Myriad Autosomal Dominant, Autosomal Recessive and X-Linked Classification Criteria (2023). Collection method: clinical testing. Allele origin: unknown.
Comment: This variant is considered pathogenic. This variant creates a termination codon and is predicted to result in premature protein truncation.

Labcorp Genetics (formerly Invitae), Labcorp
Classification: Pathogenic. Last evaluated: 2023-03-27. Review status: criteria provided, single submitter. Criteria: Invitae Variant Classification Sherloc (09022015). Collection method: clinical testing. Allele origin: germline.
Comment: For these reasons, this variant has been classified as Pathogenic. This variant has not been reported in the literature in individuals affected with NTHL1-related conditions. This variant is not present in population databases (gnomAD no frequency). This sequence change creates a premature translational stop signal (p.Trp251*) in the NTHL1 gene. It is expected to result in an absent or disrupted protein product. Loss-of-function variants in NTHL1 are known to be pathogenic (PMID: 25938944, 26559593).

Literature cited by the submitters: PubMed 25938944 (cited by Labcorp Genetics (formerly Invitae), Labcorp); PubMed 26559593 (cited by Labcorp Genetics (formerly Invitae), Labcorp).